The following is an entry in ClinVar:

NM_005188.4(CBL):c.2351T>G (p.Val784Gly)

Gene: CBL (Cbl proto-oncogene; plus strand). Cytogenetic location: 11q23.3.
Variant type: single nucleotide variant.
Coding change: c.2351T>G on transcript NM_005188.4 (MANE Select); coding-DNA position 2351, T replaced by G.
Protein change: p.Val784Gly; replaces valine 784 with glycine.
Molecular consequence: missense variant.
Genome position (GRCh38, 1-based): chr11:119,298,457, T>G. VCF-style: chr11-119298457-T-G. GRCh37 (hg19) VCF-style: chr11-119169167-T-G.
Other names: short protein forms V784G.
Identifiers: ClinVar variation 3996051 (VCV003996051.1).

ClinVar aggregate classification (germline): Uncertain significance (1 of 4 stars; one submission).

Conditions:
Cardiovascular phenotype. Identifiers: MedGen CN230736.

Submission:

Ambry Genetics
Classification: Uncertain significance for Cardiovascular phenotype. Last evaluated: 2025-05-11. Review status: criteria provided, single submitter. Criteria: Ambry Variant Classification Scheme 2023. Collection method: clinical testing. Allele origin: germline.
Comment: The p.V784G variant (also known as c.2351T>G), located in coding exon 15 of the CBL gene, results from a T to G substitution at nucleotide position 2351. The valine at codon 784 is replaced by glycine, an amino acid with dissimilar properties. This amino acid position is conserved. In addition, this alteration is predicted to be tolerated by in silico analysis. Based on the available evidence, the clinical significance of this variant remains unclear.